The following is an entry in ClinVar:

ClinVar aggregate classification (germline): Benign/Likely benign. Review status: criteria provided, multiple submitters, no conflicts (2 of 4 stars). 6 submissions from 6 submitters: Benign (1); Likely benign (4). 1 of the submissions does not count toward it. Last evaluated 2025-12-27.

Conditions:
Diamond-Blackfan anemia. Also called: Blackfan Diamond syndrome; Aregenerative anemia chronic congenital; Red cell aplasia, pure hereditary; Congenital hypoplastic anemia; Aase syndrome. Identifiers: Orphanet 124, MedGen C1260899, MeSH D029503, MONDO:0015253, HP:0004810.
GATA binding protein 1 related thrombocytopenia with dyserythropoiesis. Also called: GATA1-Related Cytopenia; GATA1-Related X-Linked Cytopenia. Identifiers: MedGen C1845837, MONDO:0100089.
GATA1-related disorder. Also called: GATA1-related condition.

Allele frequency attached by ClinVar (database versions not stated): ESP Exome Variant Server 0.00009; 1000 Genomes Project 30x 0.00021; 1000 Genomes Project 0.00026; gnomAD exomes 0.00028 and 0.00049; gnomAD 0.00031; TOPMed 0.00033; ExAC 0.00054.
gnomAD v4.1: 361 of 1,204,266 alleles (0.03%); highest among the groups gnomAD compares: Middle Eastern, 0.35%; 1 homozygote.

Submissions (6):

Labcorp Genetics (formerly Invitae), Labcorp
Classification: Benign for GATA binding protein 1 related thrombocytopenia with dyserythropoiesis; Diamond-Blackfan anemia. Last evaluated: 2025-12-27. Review status: criteria provided, single submitter. Criteria: Invitae Variant Classification Sherloc (09022015). Collection method: clinical testing. Allele origin: germline.

Women's Health and Genetics/Laboratory Corporation of America, LabCorp
Classification: Likely benign. Last evaluated: 2024-11-27. Review status: criteria provided, single submitter. Criteria: LabCorp Variant Classification Summary - May 2015. Collection method: clinical testing. Allele origin: germline.
Comment: Variant summary: GATA1 c.113C>T (p.Pro38Leu) results in a non-conservative amino acid change in the encoded protein sequence. Three of five in-silico tools predict a damaging effect of the variant on protein function. The variant allele was found at a frequency of 0.00049 in 167604 control chromosomes in the gnomAD database, including 1 homozygote and multiple hemizygotes, suggesting it is likely a benign polymorphism. c.113C>T has been reported in the literature in individuals affected with GATA1-Related Disorders without strong evidence of causality (e.g. Lin_2024). These report(s) do not provide unequivocal conclusions about association of the variant with GATA1-Related Disorders. To our knowledge, no experimental evidence demonstrating an impact on protein function has been reported. The following publication has been ascertained in the context of this evaluation (PMID: 38103590). ClinVar contains an entry for this variant (Variation ID: 435275). Based on the evidence outlined above, the variant was classified as likely benign.

Blueprint Genetics
Classification: Likely benign. Last evaluated: 2024-11-26. Review status: criteria provided, single submitter. Criteria: ACMG Guidelines, 2015. Collection method: clinical testing. Allele origin: germline.

CeGaT Center for Human Genetics Tuebingen
Classification: Likely benign. Last evaluated: 2024-02-01. Review status: criteria provided, single submitter. Criteria: CeGaT Center For Human Genetics Tuebingen Variant Classification Criteria Version 2. Collection method: clinical testing. Allele origin: germline. Affected: yes. Observed: 1 variant allele.
Comment: GATA1: BS2

Genetic Services Laboratory, University of Chicago
Classification: Likely benign. Last evaluated: 2019-12-19. Review status: criteria provided, single submitter. Criteria: ACMG Guidelines, 2015. Collection method: clinical testing. Allele origin: germline. Affected: no.

PreventionGenetics, part of Exact Sciences
Classification: Likely benign for GATA1-related condition. Last evaluated: 2022-08-29. Review status: no assertion criteria provided. Collection method: clinical testing. Allele origin: germline. Not counted in ClinVar's aggregate classification.
Comment: This variant is classified as likely benign based on ACMG/AMP sequence variant interpretation guidelines (Richards et al. 2015 PMID: 25741868, with internal and published modifications).

Literature cited by the submitters: PubMed 38103590 (cited by Women's Health and Genetics/Laboratory Corporation of America, LabCorp).

NM_002049.4(GATA1):c.113C>T (p.Pro38Leu)

Gene: GATA1 (GATA binding protein 1; plus strand). Cytogenetic location: Xp11.23.
Variant type: single nucleotide variant.
Coding change: c.113C>T on transcript NM_002049.4 (MANE Select); coding-DNA position 113, C replaced by T.
Protein change: p.Pro38Leu; replaces proline 38 with leucine.
Molecular consequence: missense variant.
Genome position (GRCh38, 1-based): chrX:48,791,222, C>T. VCF-style: chrX-48791222-C-T. GRCh37 (hg19) VCF-style: chrX-48649629-C-T.
Other names: short protein forms P38L.
Identifiers: ClinVar variation 435275 (VCV000435275.43), dbSNP rs372131208, ClinGen allele CA10404538.